The following is an entry in ClinVar:

ClinVar aggregate classification (germline): Uncertain significance (1 of 4 stars; one submission).

Allele frequency attached by ClinVar (database versions not stated): ExAC 0.00001; gnomAD exomes 0.00001; gnomAD 0.00002; TOPMed 0.00002; 1000 Genomes Project 30x 0.00031.
gnomAD v4.1: 18 of 1,613,952 alleles (0.0011%); highest among the groups gnomAD compares: East Asian, 0.0022%; no homozygotes.

Submission:

Labcorp Genetics (formerly Invitae), Labcorp
Classification: Uncertain significance. Last evaluated: 2024-11-18. Review status: criteria provided, single submitter. Criteria: Invitae Variant Classification Sherloc (09022015). Collection method: clinical testing. Allele origin: germline.
Comment: This sequence change replaces valine, which is neutral and non-polar, with methionine, which is neutral and non-polar, at codon 866 of the DNA2 protein (p.Val866Met). This variant is present in population databases (rs760756517, gnomAD 0.003%). This variant has not been reported in the literature in individuals affected with DNA2-related conditions. ClinVar contains an entry for this variant (Variation ID: 1912845). Invitae Evidence Modeling of protein sequence and biophysical properties (such as structural, functional, and spatial information, amino acid conservation, physicochemical variation, residue mobility, and thermodynamic stability) indicates that this missense variant is not expected to disrupt DNA2 protein function with a negative predictive value of 80%. In summary, the available evidence is currently insufficient to determine the role of this variant in disease. Therefore, it has been classified as a Variant of Uncertain Significance.

NM_001080449.3(DNA2):c.2596G>A (p.Val866Met)

Gene: DNA2 (DNA replication helicase/nuclease 2; minus strand). Cytogenetic location: 10q21.3.
Variant type: single nucleotide variant.
Coding change: c.2596G>A on transcript NM_001080449.3 (MANE Select); coding-DNA position 2596, G replaced by A.
Protein change: p.Val866Met; replaces valine 866 with methionine.
Molecular consequence: missense variant. On other transcripts: non-coding transcript variant (1).
Genome position (GRCh38, 1-based): chr10:68,422,326, C>T on the plus strand (G>A on the coding strand, the complement: DNA2 is on the minus strand). VCF-style: chr10-68422326-C-T. GRCh37 (hg19) VCF-style: chr10-70182083-C-T.
Other names: short protein forms V866M.
Identifiers: ClinVar variation 1912845 (VCV001912845.5), dbSNP rs760756517, ClinGen allele CA5524781.